The following is an entry in ClinVar:

ClinVar aggregate classification (germline): Conflicting classifications of pathogenicity. Review status: criteria provided, conflicting classifications (1 of 4 stars). 3 submissions from 3 submitters: Uncertain significance (1); Likely benign (2). Last evaluated 2025-08-29.

Conditions:
Inborn genetic diseases. Identifiers: MedGen C0950123, MeSH D030342.

Allele frequency attached by ClinVar (database versions not stated): gnomAD exomes 0.00002; TOPMed 0.00002; gnomAD 0.00003.
gnomAD v4.1: 34 of 1,613,852 alleles (0.0021%); highest among the groups gnomAD compares: African/African-American, 0.0027%; no homozygotes.

Submissions (3):

Ambry Genetics
Classification: Uncertain significance for Inborn genetic diseases. Last evaluated: 2025-08-29. Review status: criteria provided, single submitter. Criteria: Ambry Variant Classification Scheme 2023. Collection method: clinical testing. Allele origin: germline.

CeGaT Center for Human Genetics Tuebingen
Classification: Likely benign. Last evaluated: 2025-01-01. Review status: criteria provided, single submitter. Criteria: CeGaT Center For Human Genetics Tuebingen Variant Classification Criteria Version 2. Collection method: clinical testing. Allele origin: germline. Affected: yes. Observed: 1 variant allele.
Comment: FN1: PP2, BP5, BS1

Labcorp Genetics (formerly Invitae), Labcorp
Classification: Likely benign. Last evaluated: 2024-06-11. Review status: criteria provided, single submitter. Criteria: Invitae Variant Classification Sherloc (09022015). Collection method: clinical testing. Allele origin: germline.

NM_212482.4(FN1):c.2252G>A (p.Arg751Gln)

Gene: FN1 (fibronectin 1; minus strand). Cytogenetic location: 2q35.
Variant type: single nucleotide variant.
Coding change: c.2252G>A on transcript NM_212482.4 (MANE Select); coding-DNA position 2252, G replaced by A.
Protein change: p.Arg751Gln; replaces arginine 751 with glutamine.
Molecular consequence: missense variant.
Genome position (GRCh38, 1-based): chr2:215,409,610, C>T on the plus strand (G>A on the coding strand, the complement: FN1 is on the minus strand). VCF-style: chr2-215409610-C-T. GRCh37 (hg19) VCF-style: chr2-216274333-C-T.
Other names: c.2252G>A, p.Arg751Gln (NM_001306129.2, NM_001306130.2, NM_001306131.2 and 13 more transcripts); c.2252G>A (NM_212482.1); short protein forms R751Q.
Identifiers: ClinVar variation 1909948 (VCV001909948.19), dbSNP rs746400023, ClinGen allele CA64868794.